The following is an entry in ClinVar:

ClinVar aggregate classification (germline): Uncertain significance. Review status: criteria provided, multiple submitters, no conflicts (2 of 4 stars). 2 submissions from 2 submitters: Uncertain significance (2). Last evaluated 2025-12-03.

Conditions:
Hereditary breast ovarian cancer syndrome. Also called: Hereditary breast and ovarian cancer; Hereditary breast and ovarian cancer syndrome (HBOC); BRCA1- and BRCA2-Associated Hereditary Breast and Ovarian Cancer; Hereditary breast and ovarian cancer syndrome; Hereditary breast and/or ovarian cancer syndrome; Breast and ovarian cancer. Identifiers: Orphanet 145, MedGen C0677776, MeSH D061325, MONDO:0003582. Disease mechanism: loss of function.
Hereditary cancer-predisposing syndrome. Also called: Hereditary Cancer Syndrome; Tumor predisposition; Hereditary neoplastic syndrome; Neoplastic Syndromes, Hereditary. Identifiers: Orphanet 140162, MedGen C0027672, MeSH D009386, MONDO:0015356.

gnomAD v4.1: 1 of 1,613,162 alleles (0.000062%); highest among the groups gnomAD compares: Non-Finnish European, 0.000085%; no homozygotes.

Submissions (2):

Labcorp Genetics (formerly Invitae), Labcorp
Classification: Uncertain significance for Hereditary breast ovarian cancer syndrome. Last evaluated: 2025-12-03. Review status: criteria provided, single submitter. Criteria: Invitae Variant Classification Sherloc (09022015). Collection method: clinical testing. Allele origin: germline.
Comment: This sequence change replaces arginine, which is basic and polar, with glycine, which is neutral and non-polar, at codon 2602 of the BRCA2 protein (p.Arg2602Gly). This variant is not present in population databases (gnomAD no frequency). This variant has not been reported in the literature in individuals affected with BRCA2-related conditions. ClinVar contains an entry for this variant (Variation ID: 3261571). An algorithm developed to predict the effect of missense changes on protein structure and function (PolyPhen-2) suggests that this variant is likely to be disruptive. Algorithms developed to predict the effect of sequence changes on RNA splicing suggest that this variant may disrupt the consensus splice site. In summary, the available evidence is currently insufficient to determine the role of this variant in disease. Therefore, it has been classified as a Variant of Uncertain Significance.

Ambry Genetics
Classification: Uncertain significance for Hereditary cancer-predisposing syndrome. Last evaluated: 2024-04-11. Review status: criteria provided, single submitter. Criteria: Ambry Variant Classification Scheme 2023. Collection method: clinical testing. Allele origin: germline.
Comment: The p.R2602G variant (also known as c.7804A>G), located in coding exon 15 of the BRCA2 gene, results from an A to G substitution at nucleotide position 7804. The arginine at codon 2602 is replaced by glycine, an amino acid with dissimilar properties. This amino acid position is highly conserved in available vertebrate species. In addition, this alteration is predicted to be deleterious by in silico analysis. Based on the available evidence, the clinical significance of this variant remains unclear.

NM_000059.4(BRCA2):c.7804A>G (p.Arg2602Gly)

Gene: BRCA2 (BRCA2 DNA repair associated; plus strand). Cytogenetic location: 13q13.1.
Variant type: single nucleotide variant.
Coding change: c.7804A>G on transcript NM_000059.4 (MANE Select); coding-DNA position 7804, A replaced by G.
Protein change: p.Arg2602Gly; replaces arginine 2602 with glycine.
Molecular consequence: missense variant. On other transcripts: non-coding transcript variant (1).
Genome position (GRCh38, 1-based): chr13:32,357,928, A>G. VCF-style: chr13-32357928-A-G. GRCh37 (hg19) VCF-style: chr13-32932065-A-G.
Other names: c.7708A>G, p.Arg2570Gly (NM_001406719.1); c.7804A>G, p.Arg2602Gly (NM_001406720.1); c.2872A>G, p.Arg958Gly (NM_001406721.1); c.1387A>G, p.Arg463Gly (NM_001406722.1); short protein forms R2602G, R463G, R958G, R2570G.
Identifiers: ClinVar variation 3261571 (VCV003261571.2).